The following is an entry in ClinVar:

ClinVar aggregate classification (germline): Likely pathogenic (1 of 4 stars; one submission).

Conditions:
Cystic fibrosis (CF). Also called: MUCOVISCIDOSIS. Identifiers: Orphanet 586, MedGen C0010674, MONDO:0009061, OMIM 219700. Disease mechanism: loss of function.

Submission:

Women's Health and Genetics/Laboratory Corporation of America, LabCorp
Classification: Likely pathogenic for Cystic fibrosis. Last evaluated: 2020-09-18. Review status: criteria provided, single submitter. Criteria: LabCorp Variant Classification Summary - May 2015. Collection method: clinical testing. Allele origin: germline.
Comment: Variant summary: CFTR c.3874-2A>C is located in a canonical splice-site and is predicted to affect mRNA splicing resulting in a significantly altered protein due to either exon skipping, shortening, or inclusion of intronic material. Several computational tools predict a significant impact on normal splicing: four predict the variant abolishes a 3' acceptor site, while two predict the variant creates a 3' acceptor site four nucleotides downstream of the canonical splice site. However, these predictions have yet to be confirmed by functional studies. The variant was absent in 245646 control chromosomes (gnomAD). To our knowledge, no occurrence of c.3874-2A>C in individuals affected with Cystic Fibrosis and no experimental evidence demonstrating its impact on protein function have been reported. No clinical diagnostic laboratories have submitted clinical-significance assessments for this variant to ClinVar after 2014. Based on the evidence outlined above, the variant was classified as likely pathogenic.

NM_000492.4(CFTR):c.3874-2A>C

Gene: CFTR (CF transmembrane conductance regulator; plus strand). Cytogenetic location: 7q31.2.
Variant type: single nucleotide variant.
Coding change: c.3874-2A>C on transcript NM_000492.4 (MANE Select); the canonical splice acceptor site of the intron before coding-DNA position 3874, A replaced by C.
Molecular consequence: splice acceptor variant.
Genome position (GRCh38, 1-based): chr7:117,652,840, A>C. VCF-style: chr7-117652840-A-C. GRCh37 (hg19) VCF-style: chr7-117292894-A-C.
Identifiers: ClinVar variation 981083 (VCV000981083.1), dbSNP rs1554396384, ClinGen allele CA368977799.